The following is an entry in ClinVar:

NM_005481.3(MED16):c.2484-7_2499del

Gene: MED16 (mediator complex subunit 16; minus strand). Cytogenetic location: 19p13.3.
Variant type: Deletion.
Coding change: c.2484-7_2499del on transcript NM_005481.3 (MANE Select); 7 bases into the intron before coding-DNA position 2484 through coding-DNA position 2499, 23 bases deleted (CCTGCAGGGCTGTTGAAGGCCGT).
Molecular consequence: splice acceptor variant.
Genome position (GRCh38, 1-based): chr19:868,236-868,258, ACGGCCTTCAACAGCCCTGCAGG deleted on the plus strand (CCTGCAGGGCTGTTGAAGGCCGT on the coding strand, the reverse complement: MED16 is on the minus strand). VCF-style (leftmost placement, unchanged base first): chr19-868235-CACGGCCTTCAACAGCCCTGCAGG-C. GRCh37 (hg19) VCF-style: chr19-868235-CACGGCCTTCAACAGCCCTGCAGG-C.
Identifiers: ClinVar variation 4818961 (VCV004818961.1).
Genomic context (GRCh38, chr19:868,235, plus strand): 5'-CCAGCTGGACAAAGGCAGGGGCTTCCTCAGAAGCTCTGCTGGTCACGCAGGCGTCCGGCC[CACGGCCTTCAACAGCCCTGCAGG>C]GCGGGCTGAGGTTAACCGCGCCGAGGAGAGTCCAGGGCGAGCGGTGGCTCTTGCAGCAGC-3'

ClinVar aggregate classification (germline): Uncertain significance (1 of 4 stars; one submission).

Conditions:
Guillouet-Gordon syndrome. Identifiers: MedGen C6012729, MONDO:0979227, OMIM 621220.

Submission:

Victorian Clinical Genetics Services, Murdoch Childrens Research Institute
Classification: Uncertain significance for Guillouet-Gordon syndrome. Last evaluated: 2025-12-17. Review status: criteria provided, single submitter. Criteria: ACMG Guidelines, 2015. Collection method: clinical testing. Allele origin: germline. Affected: yes.
Comment: This variant is classified as VUS-3A. Evidence in support of pathogenic classification: Canonical splice site variant without proven consequence on splicing (no functional evidence available); Variant is present in gnomAD <0.01 for a recessive condition (v4: 426 heterozygote(s), 0 homozygote(s)). Evidence in support of benign classification: Abnormal splicing is not predicted and nucleotide is poorly conserved. Additional information: This variant is homozygous; This gene is associated with autosomal recessive disease; Alternative nucleotide change(s) at the same canonical splice site are present in gnomAD (highest allele count: v4: 15 heterozygote(s), 0 homozygote(s)); This variant has no previous evidence of pathogenicity; No published evidence of segregation with disease has been identified for this variant; No published functional evidence has been identified for this variant; No comparable splice site variants have previous evidence for pathogenicity; Loss of function is a known mechanism of disease in this gene and is associated with Guillouet-Gordon syndrome (MIM#621220).